The following is an entry in ClinVar:

ClinVar aggregate classification (germline): Pathogenic (0 of 4 stars; one submission).

Conditions:
Proline dehydrogenase deficiency (HYRPRO1). Also called: Hyperprolinemia type 1; PROLINE OXIDASE DEFICIENCY. Identifiers: Orphanet 419, MedGen C0268529, MONDO:0009400, OMIM 239500.
Schizophrenia 4 (SCZD4). Also called: SCHIZOPHRENIA SUSCEPTIBILITY LOCUS, CHROMOSOME 22q11-RELATED; SCHIZOPHRENIA, SUSCEPTIBILITY TO, 4. Identifiers: MedGen C1833247, MONDO:0010943, OMIM 600850.

Submission:

Fulgent Genetics
Classification: Pathogenic for Proline dehydrogenase deficiency; Schizophrenia 4. Review status: no assertion criteria provided. Collection method: clinical testing. Allele origin: unknown.
Comment: This variant has been detected in individual(s) who were sent for testing of Renasight - kidney gene panel.

GRCh37/hg19 22q11.21(chr22:18900294-18923806)

Gene: PRODH (proline dehydrogenase 1; minus strand). Cytogenetic location: 22q11.21.
Variant type: copy number loss.
Identifiers: ClinVar variation 1179113 (VCV001179113.2).